The following is an entry in ClinVar:

ClinVar aggregate classification (germline): Uncertain significance. Review status: criteria provided, multiple submitters, no conflicts (2 of 4 stars). 3 submissions from 3 submitters: Uncertain significance (3). Last evaluated 2026-02-22.

Conditions:
DNMT3A-related disorder. Also called: DNMT3A-related condition; DNMT3A-related disorders.
Tatton-Brown-Rahman overgrowth syndrome. Also called: Tatton-Brown-Rahman syndrome; Tall stature-intellectual disability-facial dysmorphism syndrome. Identifiers: Orphanet 404443, MedGen C4014545, MONDO:0014382, OMIM 615879.

Submissions (3):

GeneDx
Classification: Uncertain significance. Last evaluated: 2026-02-22. Review status: criteria provided, single submitter. Criteria: GeneDx Variant Classification Process June 2021. Collection method: clinical testing. Allele origin: germline.
Comment: Not observed at significant frequency in large population cohorts (gnomAD); In silico analysis supports that this missense variant has a deleterious effect on protein structure/function; Has not been previously published as pathogenic or benign to our knowledge

PreventionGenetics, part of Exact Sciences
Classification: Uncertain significance for DNMT3A-related condition. Last evaluated: 2025-03-29. Review status: criteria provided, single submitter. Criteria: ACMG Guidelines, 2015. Collection method: clinical testing. Allele origin: germline.
Comment: The DNMT3A c.1274C>T variant is predicted to result in the amino acid substitution p.Pro425Leu. To our knowledge, this variant has not been reported in the literature or in a large population database (gnomAD), indicating this variant is rare. At this time, the clinical significance of this variant is uncertain due to the absence of conclusive functional and genetic evidence.

Labcorp Genetics (formerly Invitae), Labcorp
Classification: Uncertain significance for Tatton-Brown-Rahman overgrowth syndrome. Last evaluated: 2024-10-22. Review status: criteria provided, single submitter. Criteria: Invitae Variant Classification Sherloc (09022015). Collection method: clinical testing. Allele origin: germline.
Comment: This sequence change replaces proline, which is neutral and non-polar, with leucine, which is neutral and non-polar, at codon 425 of the DNMT3A protein (p.Pro425Leu). This variant is not present in population databases (gnomAD no frequency). This variant has not been reported in the literature in individuals affected with DNMT3A-related conditions. ClinVar contains an entry for this variant (Variation ID: 1430129). Invitae Evidence Modeling of protein sequence and biophysical properties (such as structural, functional, and spatial information, amino acid conservation, physicochemical variation, residue mobility, and thermodynamic stability) has been performed for this missense variant. However, the output from this modeling did not meet the statistical confidence thresholds required to predict the impact of this variant on DNMT3A protein function. In summary, the available evidence is currently insufficient to determine the role of this variant in disease. Therefore, it has been classified as a Variant of Uncertain Significance.

NM_022552.5(DNMT3A):c.1274C>T (p.Pro425Leu)

Gene: DNMT3A (DNA methyltransferase 3 alpha; minus strand). Cytogenetic location: 2p23.3.
Variant type: single nucleotide variant.
Coding change: c.1274C>T on transcript NM_022552.5 (MANE Select); coding-DNA position 1274, C replaced by T.
Protein change: p.Pro425Leu; replaces proline 425 with leucine.
Molecular consequence: missense variant. On other transcripts: non-coding transcript variant (1).
Genome position (GRCh38, 1-based): chr2:25,246,625, G>A on the plus strand (C>T on the coding strand, the complement: DNMT3A is on the minus strand). VCF-style: chr2-25246625-G-A. GRCh37 (hg19) VCF-style: chr2-25469494-G-A.
Other names: c.818C>T, p.Pro273Leu (NM_001320893.1); c.605C>T, p.Pro202Leu (NM_001375819.1); c.707C>T, p.Pro236Leu (NM_153759.3); c.1274C>T, p.Pro425Leu (NM_175629.2); short protein forms P202L, P236L, P425L, P273L.
Identifiers: ClinVar variation 1430129 (VCV001430129.8), dbSNP rs1674807447, ClinGen allele CA346072970.